The following is an entry in ClinVar:

NM_003482.4(KMT2D):c.12449A>G (p.Gln4150Arg)

Gene: KMT2D (lysine methyltransferase 2D; minus strand). Cytogenetic location: 12q13.12.
Variant type: single nucleotide variant.
Coding change: c.12449A>G on transcript NM_003482.4 (MANE Select); coding-DNA position 12449, A replaced by G.
Protein change: p.Gln4150Arg; replaces glutamine 4150 with arginine.
Molecular consequence: missense variant.
Genome position (GRCh38, 1-based): chr12:49,032,256, T>C on the plus strand (A>G on the coding strand, the complement: KMT2D is on the minus strand). VCF-style: chr12-49032256-T-C. GRCh37 (hg19) VCF-style: chr12-49426039-T-C.
Other names: short protein forms Q4150R.
Identifiers: ClinVar variation 2100349 (VCV002100349.4), dbSNP rs2498356948, ClinGen allele CA384711476.
Genomic context (GRCh38, chr12:49,032,256, plus strand): 5'-GGCCCTGTATTATTTTGCATGGGCCGCTCTAGCATGGGCTGTTGGGGGCCCAGAAGGTTC[T>C]GGGTCATGGACCCAGGCTGATCCCCTAAGGAAACAGAGGGCTGAGCCAGCAGGTGGGGCA-3'
Protein context (NP_003473.3, residues 4140-4160): SLGDQPGSMT[Gln4150Arg]NLLGPQQPML

ClinVar aggregate classification (germline): Uncertain significance (1 of 4 stars; one submission).

Conditions:
Kabuki syndrome. Also called: Kabuki make-up syndrome; NIIKAWA-KUROKI SYNDROME. Identifiers: Orphanet 2322, MedGen C0796004, MONDO:0016512.

Allele frequency attached by ClinVar (database versions not stated): gnomAD exomes below 0.00001.
gnomAD v4.1: 1 of 1,613,930 alleles (0.000062%); highest among the groups gnomAD compares: Non-Finnish European, 0.000085%; no homozygotes.

Submission:

Labcorp Genetics (formerly Invitae), Labcorp
Classification: Uncertain significance for Kabuki syndrome. Last evaluated: 2022-02-20. Review status: criteria provided, single submitter. Criteria: Invitae Variant Classification Sherloc (09022015). Collection method: clinical testing. Allele origin: germline.
Comment: In summary, the available evidence is currently insufficient to determine the role of this variant in disease. Therefore, it has been classified as a Variant of Uncertain Significance. Advanced modeling of protein sequence and biophysical properties (such as structural, functional, and spatial information, amino acid conservation, physicochemical variation, residue mobility, and thermodynamic stability) performed at Invitae indicates that this missense variant is not expected to disrupt KMT2D protein function. This variant has not been reported in the literature in individuals affected with KMT2D-related conditions. This variant is not present in population databases (gnomAD no frequency). This sequence change replaces glutamine, which is neutral and polar, with arginine, which is basic and polar, at codon 4150 of the KMT2D protein (p.Gln4150Arg).